The following is an entry in ClinVar:

NM_003072.5(SMARCA4):c.1793C>T (p.Ala598Val)

Gene: SMARCA4 (SWI/SNF related BAF chromatin remodeling complex subunit ATPase 4; plus strand). Cytogenetic location: 19p13.2.
Variant type: single nucleotide variant.
Coding change: c.1793C>T on transcript NM_003072.5 (MANE Select); coding-DNA position 1793, C replaced by T.
Protein change: p.Ala598Val; replaces alanine 598 with valine.
Molecular consequence: missense variant. On other transcripts: non-coding transcript variant (1).
Genome position (GRCh38, 1-based): chr19:10,996,525, C>T. VCF-style: chr19-10996525-C-T. GRCh37 (hg19) VCF-style: chr19-11107201-C-T.
Other names: c.1793C>T, p.Ala598Val (NM_001128844.3, NM_001128845.2, NM_001128846.2 and 5 more transcripts); short protein forms A598V.
Identifiers: ClinVar variation 484894 (VCV000484894.5), dbSNP rs1555764015, ClinGen allele CA404064835.
Genomic context (GRCh38, chr19:10,996,525, plus strand): 5'-GGCCTGACCGTGTCTCTCTCTATTTCCAGAAGGCAGAAAATGCAGAAGGACAGACGCCTG[C>T]CATTGGGCCGGATGGCGAGGTGAGGAAGCAGGGTTTCTTGTGGAAGTATCAAGCTAGCCC-3'
Protein context (NP_003063.2, residues 588-608): KAENAEGQTP[Ala598Val]IGPDGEPLDE

ClinVar aggregate classification (germline): Uncertain significance (1 of 4 stars; one submission).

Conditions:
Hereditary cancer-predisposing syndrome. Also called: Neoplastic Syndromes, Hereditary; Tumor predisposition; Hereditary Cancer Syndrome; Hereditary neoplastic syndrome. Identifiers: Orphanet 140162, MedGen C0027672, MeSH D009386, MONDO:0015356.

Submission:

Ambry Genetics
Classification: Uncertain significance for Hereditary cancer-predisposing syndrome. Last evaluated: 2016-03-15. Review status: criteria provided, single submitter. Criteria: Ambry Variant Classification Scheme 2023. Collection method: clinical testing. Allele origin: germline.
Comment: The p.A598V variant (also known as c.1793C>T), located in coding exon 10 of the SMARCA4 gene, results from a C to T substitution at nucleotide position 1793. The alanine at codon 598 is replaced by valine, an amino acid with similar properties. This variant was not reported in population based cohorts in the following databases: Database of Single Nucleotide Polymorphisms (dbSNP), NHLBI Exome Sequencing Project (ESP), and 1000 Genomes Project. In the ESP, this variant was not observed in 6503 samples (13006 alleles) with coverage at this position. To date, this alteration has been detected with an allele frequency of approximately 0.003% (greater than 30000 alleles tested) in our clinical cohort. This amino acid position is well conserved in available vertebrate species. In addition, this alteration is predicted to be tolerated by in silico analysis. Since supporting evidence is limited at this time, the clinical significance of this alteration remains unclear.